The following is an entry in ClinVar:

ClinVar aggregate classification (germline): Uncertain significance (1 of 4 stars; one submission).

Conditions:
Congenital myasthenic syndrome 4A. Also called: Myasthenic syndrome, congenital, 4a, slow-channel; CONGENITAL MYASTHENIC SYNDROME TYPE Ia1; MYASTHENIC SYNDROME, CONGENITAL, 4A, SLOW-CHANNEL, AUTOSOMAL RECESSIVE. Identifiers: Orphanet 590, MedGen C4225413, MONDO:0011600, OMIM 605809.

Allele frequency attached by ClinVar (database versions not stated): ESP Exome Variant Server 0.00015; ExAC 0.00027.
gnomAD v4.1: 131 of 1,587,888 alleles (0.0082%); highest among the groups gnomAD compares: Admixed American, 0.063%; no homozygotes.

Submission:

Labcorp Genetics (formerly Invitae), Labcorp
Classification: Uncertain significance for Congenital myasthenic syndrome 4A. Last evaluated: 2022-10-17. Review status: criteria provided, single submitter. Criteria: Invitae Variant Classification Sherloc (09022015). Collection method: clinical testing. Allele origin: germline.
Comment: This sequence change affects codon 344 of the CHRNE mRNA. It is a 'silent' change, meaning that it does not change the encoded amino acid sequence of the CHRNE protein. It affects a nucleotide within the consensus splice site. This variant is present in population databases (rs144047383, gnomAD 0.07%). This variant has not been reported in the literature in individuals affected with CHRNE-related conditions. Algorithms developed to predict the effect of sequence changes on RNA splicing suggest that this variant is not likely to affect RNA splicing. In summary, the available evidence is currently insufficient to determine the role of this variant in disease. Therefore, it has been classified as a Variant of Uncertain Significance.

NM_000080.4(CHRNE):c.1032C>T (p.His344=)

Gene: CHRNE (cholinergic receptor nicotinic epsilon subunit; minus strand). Cytogenetic location: 17p13.2.
Variant type: single nucleotide variant.
Coding change: c.1032C>T on transcript NM_000080.4 (MANE Select); coding-DNA position 1032, C replaced by T.
Protein change: p.His344=; no amino-acid change (histidine 344 retained).
Molecular consequence: synonymous variant.
Genome position (GRCh38, 1-based): chr17:4,899,468, G>A on the plus strand (C>T on the coding strand, the complement: CHRNE is on the minus strand). VCF-style: chr17-4899468-G-A. GRCh37 (hg19) VCF-style: chr17-4802763-G-A.
Identifiers: ClinVar variation 1912607 (VCV001912607.2), dbSNP rs144047383, ClinGen allele CA8314071.